The following is an entry in ClinVar:

ClinVar aggregate classification (germline): Uncertain significance (1 of 4 stars; one submission).

Conditions:
Early-infantile DEE. Also called: Ohtahara syndrome; Early infantile epileptic encephalopathy with suppression bursts; Early infantile epileptic encephalopathy. Identifiers: Orphanet 1934, MedGen C0393706, MONDO:0800491.

Allele frequency attached by ClinVar (database versions not stated): gnomAD 0.00003 and 0.00002; TOPMed 0.00002.

Submission:

Labcorp Genetics (formerly Invitae), Labcorp
Classification: Uncertain significance for Early-infantile DEE. Last evaluated: 2024-05-15. Review status: criteria provided, single submitter. Criteria: Invitae Variant Classification Sherloc (09022015). Collection method: clinical testing. Allele origin: germline.
Comment: This sequence change falls in intron 20 of the SCN1A gene. It does not directly change the encoded amino acid sequence of the SCN1A protein. However, this sequence change falls within a region encompassing a cryptic exon in the SCN1A gene, in which variants have been shown to alter splicing (PMID: 30526861, 34107977). This variant is not present in population databases (gnomAD no frequency). This variant has not been reported in the literature in individuals affected with SCN1A-related conditions. ClinVar contains an entry for this variant (Variation ID: 1670539). Algorithms developed to predict the effect of sequence changes on RNA splicing suggest that this variant is not likely to affect RNA splicing. In summary, the available evidence is currently insufficient to determine the role of this variant in disease. Therefore, it has been classified as a Variant of Uncertain Significance.

Literature cited by the submitters: PubMed 30526861; PubMed 34107977.

NM_001165963.4(SCN1A):c.4002+2494T>C

Genes: SCN1A (sodium voltage-gated channel alpha subunit 1; minus strand), LOC102724058 (uncharacterized LOC102724058; plus strand). Cytogenetic location: 2q24.3.
Variant type: single nucleotide variant.
Coding change: c.4002+2494T>C on transcript NM_001165963.4 (MANE Select); 2494 bases into the intron after coding-DNA position 4002, T replaced by C.
Molecular consequence: intron variant.
Genome position (GRCh38, 1-based): chr2:166,007,225, A>G on the plus strand (T>C on the coding strand, the complement: SCN1A is on the minus strand). VCF-style: chr2-166007225-A-G. GRCh37 (hg19) VCF-style: chr2-166863735-A-G.
Other names: c.3969+2494T>C (NM_001353949.2, NM_001353950.2, NM_001353951.2 and 2 more transcripts); c.3918+2494T>C (NM_001353958.2, NM_001353957.2, NM_001165964.3); c.4002+2494T>C (NM_001202435.3, NM_001353948.2); c.3966+2494T>C (NM_001353955.2, NM_001353954.2); c.3915+2494T>C (NM_001353960.2); c.1560+2494T>C (NM_001353961.2).
Identifiers: ClinVar variation 1670539 (VCV001670539.9), dbSNP rs1057202299, ClinGen allele CA59771557.
Genomic context (GRCh38, chr2:166,007,225, plus strand): 5'-CCTCACCCCACTACACATAAGTCACAGTGCAAGGATTAAAGGTAGCAAAAGGGGTAATAC[A>G]GTACCCATAATAAAGGGCTCAGGGGAGGAACCAGCGCTCCACCCCATCCAAGTTGGAGCA-3'